The following is an entry in ClinVar:

NM_001330691.3(CEP78):c.1629T>G (p.Leu543=)

Gene: CEP78 (centrosomal protein 78; plus strand). Cytogenetic location: 9q21.2.
Variant type: single nucleotide variant.
Coding change: c.1629T>G on transcript NM_001330691.3 (MANE Select); coding-DNA position 1629, T replaced by G.
Protein change: p.Leu543=; no amino-acid change (leucine 543 retained).
Molecular consequence: synonymous variant.
Genome position (GRCh38, 1-based): chr9:78,265,375, T>G. VCF-style: chr9-78265375-T-G. GRCh37 (hg19) VCF-style: chr9-80880291-T-G.
Other names: c.1632T>G, p.Leu544= (NM_001098802.3, NM_001349839.2, NM_001349840.2 and 1 more transcripts); c.1629T>G, p.Leu543= (NM_001330693.3, NM_001330694.2, NM_001349838.2); c.1632T>G (NM_001098802.1).
Identifiers: ClinVar variation 1085367 (VCV001085367.12), dbSNP rs200987172, ClinGen allele CA5095326.

ClinVar aggregate classification (germline): Likely benign. Review status: criteria provided, multiple submitters, no conflicts (2 of 4 stars). 3 submissions from 3 submitters: Likely benign (2). 1 of the submissions does not count toward it. Last evaluated 2025-06-04.

Conditions:
CEP78-related disorder. Also called: CEP78-related condition.

Allele frequency attached by ClinVar (database versions not stated): gnomAD 0.00004 and 0.00005; TOPMed 0.00008; 1000 Genomes Project 30x 0.00031; 1000 Genomes Project 0.00040.
gnomAD v4.1: 108 of 1,597,070 alleles (0.0068%); highest among the groups gnomAD compares: Non-Finnish European, 0.0082%; no homozygotes.

Submissions (3):

Labcorp Genetics (formerly Invitae), Labcorp
Classification: Likely benign. Last evaluated: 2025-06-04. Review status: criteria provided, single submitter. Criteria: Invitae Variant Classification Sherloc (09022015). Collection method: clinical testing. Allele origin: germline.

Blueprint Genetics
Classification: Likely benign. Last evaluated: 2024-06-25. Review status: criteria provided, single submitter. Criteria: ACMG Guidelines, 2015. Collection method: clinical testing. Allele origin: germline.

PreventionGenetics, part of Exact Sciences
Classification: Likely benign for CEP78-related condition. Last evaluated: 2020-03-26. Review status: no assertion criteria provided. Collection method: clinical testing. Allele origin: germline. Not counted in ClinVar's aggregate classification.
Comment: This variant is classified as likely benign based on ACMG/AMP sequence variant interpretation guidelines (Richards et al. 2015 PMID: 25741868, with internal and published modifications).